The following is an entry in ClinVar:

ClinVar aggregate classification (germline): Uncertain significance. Review status: criteria provided, multiple submitters, no conflicts (2 of 4 stars). 2 submissions from 2 submitters: Uncertain significance (2). Last evaluated 2024-07-09.

Conditions:
Inborn genetic diseases. Identifiers: MedGen C0950123, MeSH D030342.

gnomAD v4.1: 17 of 1,614,000 alleles (0.0011%); highest among the groups gnomAD compares: Admixed American, 0.0067%; no homozygotes.

Submissions (2):

Ambry Genetics
Classification: Uncertain significance for Inborn genetic diseases. Last evaluated: 2024-07-09. Review status: criteria provided, single submitter. Criteria: Ambry Variant Classification Scheme 2023. Collection method: clinical testing. Allele origin: germline.

GeneDx
Classification: Uncertain significance. Last evaluated: 2024-03-08. Review status: criteria provided, single submitter. Criteria: GeneDx Variant Classification Process June 2021. Collection method: clinical testing. Allele origin: germline. Affected: yes.
Comment: In silico analysis supports that this missense variant has a deleterious effect on protein structure/function; Has not been previously published as pathogenic or benign to our knowledge

NM_002449.5(MSX2):c.476G>A (p.Arg159His)

Gene: MSX2 (msh homeobox 2; plus strand). Cytogenetic location: 5q35.2.
Variant type: single nucleotide variant.
Coding change: c.476G>A on transcript NM_002449.5 (MANE Select); coding-DNA position 476, G replaced by A.
Protein change: p.Arg159His; replaces arginine 159 with histidine.
Molecular consequence: missense variant. On other transcripts: 3 prime UTR variant (1).
Genome position (GRCh38, 1-based): chr5:174,729,255, G>A. VCF-style: chr5-174729255-G-A. GRCh37 (hg19) VCF-style: chr5-174156258-G-A.
Other names: c.*100G>A (NM_001363626.2); short protein forms R159H.
Identifiers: ClinVar variation 3373638 (VCV003373638.2).